The following is an entry in ClinVar:

ClinVar aggregate classification (germline): Uncertain significance (1 of 4 stars; one submission).

Submission:

Ambry Genetics
Classification: Uncertain significance. Last evaluated: 2021-02-12. Review status: criteria provided, single submitter. Criteria: Ambry Variant Classification Scheme 2023. Collection method: clinical testing. Allele origin: germline.
Comment: The c.22delA variant, located in coding exon 2 of the RECQL gene, results from a deletion of one nucleotide at nucleotide position 22, causing a translational frameshift with a predicted alternate stop codon (p.T8Lfs*7). The predicted stop codon occurs within the first 150 nucleotides of theRECQL gene. This alteration may escape nonsense-mediated mRNAdecay and/or be rescued by re-initiation (Rivas et al. Science. 2015 May 8;348(6235):666-9; Lindeboom et al. Nat Genet. 2016 Oct;48(10):1112-8; Rhee et al. Sci Rep. 2017 May 10;7(1):1653). The exact functional effect of this alteration is unknown. Additionally, the gene-disease association for RECQL is limited. Since supporting evidence is limited at this time, the clinical significance of this alteration remains unclear.

NM_002907.4(RECQL):c.22del (p.Thr8fs)

Gene: RECQL (RecQ like helicase; minus strand). Cytogenetic location: 12p12.1.
Variant type: Deletion.
Coding change: c.22del on transcript NM_002907.4 (MANE Select); coding-DNA position 22, one base deleted (A; older notation c.22delA).
Protein change: p.Thr8fs; shifts the reading frame from threonine 8.
Molecular consequence: frameshift variant.
Genome position (GRCh38, 1-based): chr12:21,491,711, T deleted on the plus strand (A on the coding strand, the reverse complement: RECQL is on the minus strand); the first of 2 consecutive T bases (chr12:21,491,711-21,491,712); deleting either gives the same sequence. VCF-style (leftmost placement, unchanged base first): chr12-21491710-GT-G. GRCh37 (hg19) VCF-style: chr12-21644644-GT-G.
Other names: c.22del, p.Thr8fs (NM_032941.3); short protein forms T8fs.
Identifiers: ClinVar variation 1789260 (VCV001789260.2), dbSNP rs1456288735, ClinGen allele CA603967692.